The following is an entry in ClinVar:

NM_014000.3(VCL):c.1232C>T (p.Ala411Val)

Gene: VCL (vinculin; plus strand). Cytogenetic location: 10q22.2.
Variant type: single nucleotide variant.
Coding change: c.1232C>T on transcript NM_014000.3 (MANE Select); coding-DNA position 1232, C replaced by T.
Protein change: p.Ala411Val; replaces alanine 411 with valine.
Molecular consequence: missense variant.
Genome position (GRCh38, 1-based): chr10:74,090,078, C>T. VCF-style: chr10-74090078-C-T. GRCh37 (hg19) VCF-style: chr10-75849836-C-T.
Other names: c.1232C>T, p.Ala411Val (NM_003373.4); short protein forms A411V.
Identifiers: ClinVar variation 5031683 (VCV005031683.1).

ClinVar aggregate classification (germline): Uncertain significance (1 of 4 stars; one submission).

Conditions:
Cardiovascular phenotype. Identifiers: MedGen CN230736.

Submission:

Ambry Genetics
Classification: Uncertain significance for Cardiovascular phenotype. Last evaluated: 2026-07-31. Review status: criteria provided, single submitter. Criteria: Ambry Variant Classification Scheme 2023. Collection method: clinical testing. Allele origin: germline.
Comment: The p.A411V variant (also known as c.1232C>T), located in coding exon 10 of the VCL gene, results from a C to T substitution at nucleotide position 1232. The alanine at codon 411 is replaced by valine, an amino acid with similar properties. This amino acid position is conserved. In addition, this alteration is predicted to be tolerated by in silico analysis. Based on the available evidence, the clinical significance of this variant remains unclear.